The following is an entry in ClinVar:

NM_002334.4(LRP4):c.257G>A (p.Arg86His)

Gene: LRP4 (LDL receptor related protein 4; minus strand). Cytogenetic location: 11p11.2.
Variant type: single nucleotide variant.
Coding change: c.257G>A on transcript NM_002334.4 (MANE Select); coding-DNA position 257, G replaced by A.
Protein change: p.Arg86His; replaces arginine 86 with histidine.
Molecular consequence: missense variant.
Genome position (GRCh38, 1-based): chr11:46,900,321, C>T on the plus strand (G>A on the coding strand, the complement: LRP4 is on the minus strand). VCF-style: chr11-46900321-C-T. GRCh37 (hg19) VCF-style: chr11-46921872-C-T.
Other names: short protein forms R86H.
Identifiers: ClinVar variation 535796 (VCV000535796.18), dbSNP rs138239756, ClinGen allele CA5970564.

ClinVar aggregate classification (germline): Conflicting classifications of pathogenicity. Review status: criteria provided, conflicting classifications (1 of 4 stars). 4 submissions from 4 submitters: Uncertain significance (2); Likely benign (1). 1 of the submissions does not count toward it. Last evaluated 2026-01-24.

Conditions:
LRP4-related disorder. Also called: LRP4-related condition.
Congenital myasthenic syndrome 17. Identifiers: Orphanet 590, MedGen C4225377, MONDO:0014578, OMIM 616304.
Sclerosteosis 2 (SOST2). Identifiers: Orphanet 3152, MedGen C3280402, MONDO:0013679, OMIM 614305.
Cenani-Lenz syndactyly syndrome. Also called: SYNDACTYLY, TYPE VII; CENANI SYNDACTYLISM. Identifiers: Orphanet 3258, MedGen C1859309, MONDO:0008931, OMIM 212780.
Inborn genetic diseases. Identifiers: MedGen C0950123, MeSH D030342.

Allele frequency attached by ClinVar (database versions not stated): TOPMed 0.00077; gnomAD 0.00083; ESP Exome Variant Server 0.00085.
gnomAD v4.1: 187 of 1,613,996 alleles (0.012%); highest among the groups gnomAD compares: African/African-American, 0.21%; no homozygotes.

Submissions (4):

Labcorp Genetics (formerly Invitae), Labcorp
Classification: Likely benign for Cenani-Lenz syndactyly syndrome; Sclerosteosis 2; Congenital myasthenic syndrome 17. Last evaluated: 2026-01-24. Review status: criteria provided, single submitter. Criteria: Invitae Variant Classification Sherloc (09022015). Collection method: clinical testing. Allele origin: germline.

Revvity Omics, Revvity
Classification: Uncertain significance. Last evaluated: 2024-07-15. Review status: criteria provided, single submitter. Criteria: ACMG Guidelines, 2015. Collection method: clinical testing. Allele origin: germline.

Ambry Genetics
Classification: Uncertain significance for Inborn genetic diseases. Last evaluated: 2023-03-23. Review status: criteria provided, single submitter. Criteria: Ambry Variant Classification Scheme 2023. Collection method: clinical testing. Allele origin: germline.

PreventionGenetics, part of Exact Sciences
Classification: Likely benign for LRP4-related condition. Last evaluated: 2023-08-16. Review status: no assertion criteria provided. Collection method: clinical testing. Allele origin: germline. Not counted in ClinVar's aggregate classification.
Comment: This variant is classified as likely benign based on ACMG/AMP sequence variant interpretation guidelines (Richards et al. 2015 PMID: 25741868, with internal and published modifications).